The following is an entry in ClinVar:

NC_000002.11:g.(?_48033724)_(48033971_?)del

Gene: MSH6 (mutS homolog 6; plus strand). Cytogenetic location: 2p16.3.
Variant type: Deletion.
Identifiers: ClinVar variation 3247086 (VCV003247086.1).

ClinVar aggregate classification (germline): Pathogenic (1 of 4 stars; one submission).

Conditions:
Hereditary nonpolyposis colorectal neoplasms. Identifiers: MedGen C0009405, MeSH D003123.

Submission:

Labcorp Genetics (formerly Invitae), Labcorp
Classification: Pathogenic for Hereditary nonpolyposis colorectal neoplasms. Last evaluated: 2022-11-15. Review status: criteria provided, single submitter. Criteria: Invitae Variant Classification Sherloc (09022015). Collection method: clinical testing. Allele origin: unknown.
Comment: For these reasons, this variant has been classified as Pathogenic. This variant disrupts a region of the MSH6 protein in which other variant(s) (p.Arg1334Serfs*7) have been determined to be pathogenic (Invitae; external communication). This suggests that this is a clinically significant region of the protein, and that variants that disrupt it are likely to be disease-causing. This variant has not been reported in the literature in individuals affected with MSH6-related conditions. This variant results in the deletion of part of exon 9 and part of exon 10 of the MSH6 gene. While this deletion is not anticipated to lead to nonsense mediated decay, it is expected to disrupt the C-terminus of the protein.